The following is an entry in ClinVar:

ClinVar aggregate classification (germline): Uncertain significance (1 of 4 stars; one submission).

Conditions:
OGDHL-related disorder. Also called: OGDHL-related condition.

Allele frequency attached by ClinVar (database versions not stated): gnomAD 0.00001; gnomAD exomes 0.00001; ExAC 0.00002; TOPMed 0.00002.
gnomAD v4.1: 15 of 1,589,348 alleles (0.00094%); highest among the groups gnomAD compares: Admixed American, 0.0035%; no homozygotes.

Submission:

PreventionGenetics, part of Exact Sciences
Classification: Uncertain significance for OGDHL-related condition. Last evaluated: 2025-07-08. Review status: criteria provided, single submitter. Criteria: ACMG Guidelines, 2015. Collection method: clinical testing. Allele origin: germline.
Comment: The OGDHL c.2894G>A variant is predicted to result in the amino acid substitution p.Arg965His. To our knowledge, this variant has not been reported in the literature. This variant is reported in 0.0062% of alleles in individuals of Latino descent in gnomAD. At this time, the clinical significance of this variant is uncertain due to the absence of conclusive functional and genetic evidence.

NM_018245.3(OGDHL):c.2894G>A (p.Arg965His)

Gene: OGDHL (oxoglutarate dehydrogenase L; minus strand). Cytogenetic location: 10q11.23.
Variant type: single nucleotide variant.
Coding change: c.2894G>A on transcript NM_018245.3 (MANE Select); coding-DNA position 2894, G replaced by A.
Protein change: p.Arg965His; replaces arginine 965 with histidine.
Molecular consequence: missense variant. On other transcripts: non-coding transcript variant (5).
Genome position (GRCh38, 1-based): chr10:49,736,038, C>T on the plus strand (G>A on the coding strand, the complement: OGDHL is on the minus strand). VCF-style: chr10-49736038-C-T. GRCh37 (hg19) VCF-style: chr10-50944084-C-T.
Other names: c.2723G>A, p.Arg908His (NM_001143996.2, NM_001347820.1); c.2267G>A, p.Arg756His (NM_001143997.2, NM_001347821.2, NM_001347822.1); c.2894G>A, p.Arg965His (NM_001347819.1); c.2714G>A, p.Arg905His (NM_001347823.1, NM_001347824.2); c.2087G>A, p.Arg696His (NM_001347825.2); c.1697G>A, p.Arg566His (NM_001347826.1); short protein forms R566H, R696H, R756H, R905H, R908H, R965H.
Identifiers: ClinVar variation 2636912 (VCV002636912.2), dbSNP rs748297322, ClinGen allele CA5497992.